The following is an entry in ClinVar:

ClinVar aggregate classification (germline): Uncertain significance (1 of 4 stars; one submission).

Submission:

Labcorp Genetics (formerly Invitae), Labcorp
Classification: Uncertain significance. Last evaluated: 2022-07-06. Review status: criteria provided, single submitter. Criteria: Invitae Variant Classification Sherloc (09022015). Collection method: clinical testing. Allele origin: germline.
Comment: A copy number gain of the genomic region encompassing the full coding sequence of the PRPF8 gene has been identified. The boundaries of this event are unknown as they extend beyond the assayed region for this gene and therefore may encompass additional genes. As the precise location of this event is unknown, it may be in tandem or it may be located elsewhere in the genome. This variant has not been reported in the literature in individuals affected with PRPF8-related conditions. Experimental studies and prediction algorithms are not available or were not evaluated, and the functional significance of this variant is currently unknown. In summary, the available evidence is currently insufficient to determine the role of this variant in disease. Therefore, it has been classified as a Variant of Uncertain Significance.

NC_000017.10:g.(?_725577)_(1680740_?)dup

Genes: SLC43A2 (solute carrier family 43 member 2; minus strand), NXN (nucleoredoxin; minus strand), MYO1C (myosin IC; minus strand), SERPINF2 (serpin family F member 2; plus strand), MIR22 (microRNA 22; minus strand) and 14 more. Cytogenetic location: 17p13.3.
Variant type: Duplication.
Identifiers: ClinVar variation 1400855 (VCV001400855.5).